The following is an entry in ClinVar:

NC_012920.1(MT-ND4):m.11931T>C

Gene: MT-ND4 (mitochondrially encoded NADH dehydrogenase 4; plus strand).
Variant type: single nucleotide variant.
Genome position: chrM-11931-T-C.
Identifiers: ClinVar variation 693387 (VCV000693387.1), dbSNP rs1603223474, ClinGen allele CA414811734.
Genomic context (GRCh38, chrMT:11,931, plus strand): 5'-CCACTATTAACCTACTGGGAGAACTCTCTGTGCTAGTAACCACGTTCTCCTGATCAAATA[T>C]CACTCTCCTACTTACAGGACTCAACATACTAGTCACAGCCCTATACTCCCTCTACATATT-3'

ClinVar aggregate classification (germline): Uncertain significance (1 of 4 stars; one submission).

Conditions:
Leigh syndrome (NULS). Also called: Leigh's necrotizing encephalopathy; Leigh's disease; Leigh Syndrome (mtDNA deletion); Leigh Disease; Subacute necrotizing encephalopathy; Necrotizing encephalopathy infantile subacute of Leigh. Identifiers: Orphanet 506, MedGen C2931891, MONDO:0009723, OMIM 256000.

Submission:

Wong Mito Lab, Molecular and Human Genetics, Baylor College of Medicine
Classification: Uncertain significance for Leigh syndrome. Last evaluated: 2019-10-17. Review status: criteria provided, single submitter. Criteria: Modified ACMG Guidelines (Unpublished). Collection method: clinical testing. Allele origin: germline.
Comment: The NC_012920.1:m.11931T>C (YP_003024035.1:p.Ile391Thr) variant in MTND4 gene is interpretated to be a Uncertain Significance variant based on the modified ACMG guidelines (unpublished). This variant meets the following evidence codes: BP4